The following is an entry in ClinVar:

NM_198428.3(BBS9):c.1226A>G (p.Asp409Gly)

Gene: BBS9 (Bardet-Biedl syndrome 9; plus strand). Cytogenetic location: 7p14.3.
Variant type: single nucleotide variant.
Coding change: c.1226A>G on transcript NM_198428.3 (MANE Select); coding-DNA position 1226, A replaced by G.
Protein change: p.Asp409Gly; replaces aspartic acid 409 with glycine.
Molecular consequence: missense variant. On other transcripts: non-coding transcript variant (3).
Genome position (GRCh38, 1-based): chr7:33,340,924, A>G. VCF-style: chr7-33340924-A-G. GRCh37 (hg19) VCF-style: chr7-33380536-A-G.
Other names: c.1226A>G, p.Asp409Gly (NM_001033604.2, NM_001033605.2, NM_001348036.1 and 5 more transcripts); c.860A>G, p.Asp287Gly (NM_001348037.3, NM_001348044.3, NM_001348045.3 and 1 more transcripts); c.953A>G, p.Asp318Gly (NM_001348038.3, NM_001348039.3); c.1091A>G, p.Asp364Gly (NM_001348042.3); short protein forms D287G, D409G, D364G, D318G.
Identifiers: ClinVar variation 4985892 (VCV004985892.1).
Genomic context (GRCh38, chr7:33,340,924, plus strand): 5'-TGATTAAATAATTTTTCTTTTTTTAAATCACAGGTGTTTGGCCCATGACTGAGAGAGAAG[A>G]TGACTTGAACGTTTCTGTCGTGGTTTCTCCTAACTTTGATTCAGTTTCTGTAGGTGTACT-3'
Protein context (NP_940820.1, residues 399-419): QGVWPMTERE[Asp409Gly]DLNVSVVVSP

ClinVar aggregate classification (germline): Uncertain significance (1 of 4 stars; one submission).

Conditions:
BBS9-related disorder. Also called: BBS9-related condition.

gnomAD v4.1: 6 of 1,613,616 alleles (0.00037%); highest among the groups gnomAD compares: Non-Finnish European, 0.00051%; no homozygotes.

Submission:

PreventionGenetics, part of Exact Sciences
Classification: Uncertain significance for BBS9-related condition. Last evaluated: 2026-03-02. Review status: criteria provided, single submitter. Criteria: ACMG Guidelines, 2015. Collection method: clinical testing. Allele origin: germline.
Comment: The BBS9 c.1226A>G variant is predicted to result in the amino acid substitution p.Asp409Gly. To our knowledge, this variant has not been reported in the literature or in a large population database (gnomAD), indicating this variant is rare. At this time, the clinical significance of this variant is uncertain due to the absence of conclusive functional and genetic evidence.